The following is an entry in ClinVar:

ClinVar aggregate classification (germline): Uncertain significance (1 of 4 stars; one submission).

Conditions:
Hereditary cancer-predisposing syndrome. Also called: Neoplastic Syndromes, Hereditary; Tumor predisposition; Hereditary neoplastic syndrome; Hereditary Cancer Syndrome. Identifiers: Orphanet 140162, MedGen C0027672, MeSH D009386, MONDO:0015356.

Submission:

Ambry Genetics
Classification: Uncertain significance for Hereditary cancer-predisposing syndrome. Last evaluated: 2024-06-09. Review status: criteria provided, single submitter. Criteria: Ambry Variant Classification Scheme 2023. Collection method: clinical testing. Allele origin: germline.
Comment: The p.F309Y variant (also known as c.926T>A), located in coding exon 8 of the STK11 gene, results from a T to A substitution at nucleotide position 926. The phenylalanine at codon 309 is replaced by tyrosine, an amino acid with highly similar properties. This amino acid position is conserved. In addition, the in silico prediction for this alteration is inconclusive. Based on the available evidence, the clinical significance of this variant remains unclear.

NM_000455.5(STK11):c.926T>A (p.Phe309Tyr)

Gene: STK11 (serine/threonine kinase 11; plus strand). Cytogenetic location: 19p13.3.
Variant type: single nucleotide variant.
Coding change: c.926T>A on transcript NM_000455.5 (MANE Select); coding-DNA position 926, T replaced by A.
Protein change: p.Phe309Tyr; replaces phenylalanine 309 with tyrosine.
Molecular consequence: missense variant. On other transcripts: non-coding transcript variant (1).
Genome position (GRCh38, 1-based): chr19:1,222,990, T>A. VCF-style: chr19-1222990-T-A. GRCh37 (hg19) VCF-style: chr19-1222989-T-A.
Other names: c.926T>A, p.Phe309Tyr (NM_001407255.1); short protein forms F309Y.
Identifiers: ClinVar variation 3323270 (VCV003323270.1).